The following is an entry in ClinVar:

NM_000204.5(CFI):c.119A>G (p.His40Arg)

Gene: CFI (complement factor I; minus strand). Cytogenetic location: 4q25.
Variant type: single nucleotide variant.
Coding change: c.119A>G on transcript NM_000204.5 (MANE Select); coding-DNA position 119, A replaced by G.
Protein change: p.His40Arg; replaces histidine 40 with arginine.
Molecular consequence: missense variant. On other transcripts: non-coding transcript variant (3), intron variant (1).
Genome position (GRCh38, 1-based): chr4:109,766,763, T>C on the plus strand (A>G on the coding strand, the complement: CFI is on the minus strand). VCF-style: chr4-109766763-T-C. GRCh37 (hg19) VCF-style: chr4-110687919-T-C.
Other names: c.119A>G, p.His40Arg (NM_001318057.2, NM_001331035.2, NM_001375278.1 and 10 more transcripts); c.-127-5071A>G (NM_001375284.1); short protein forms H40R.
Identifiers: ClinVar variation 4280494 (VCV004280494.1).

ClinVar aggregate classification (germline): Uncertain significance (1 of 4 stars; one submission).

Conditions:
CFI-related disorder. Also called: CFI-related condition; CFI-related disorders. Identifiers: MedGen CN239325.

gnomAD v4.1: 4 of 1,614,060 alleles (0.00025%); highest among the groups gnomAD compares: Admixed American, 0.0067%; no homozygotes.

Submission:

Genomenon, Inc
Classification: Uncertain significance for CFI-related disorder. Last evaluated: 2025-09-26. Review status: criteria provided, single submitter. Criteria: Genomenon Sequence Variant Interpretation Standards - Updated. Collection method: curation. Allele origin: germline. Affected: no.
Comment: CFI p.His40Arg (c.119A>G) is a missense variant that changes the amino acid at residue 40 from Histidine to Arginine. To our knowledge, this variant has not been reported in patients affected with CFI-related disorders in the published literature. Functional studies have been reported; however, the significance of the findings remain unclear (PMID:32510551). It is absent or not present at a significant frequency in gnomAD. In silico models agree that this variant is not damaging. In conclusion, we classify CFI p.His40Arg (c.119A>G) as a variant of unknown significance.

Literature cited by the submitters: PubMed 32510551.